The following is an entry in ClinVar:

NM_020634.3(GDF3):c.161T>C (p.Ile54Thr)

Gene: GDF3 (growth differentiation factor 3; minus strand). Cytogenetic location: 12p13.31.
Variant type: single nucleotide variant.
Coding change: c.161T>C on transcript NM_020634.3 (MANE Select); coding-DNA position 161, T replaced by C.
Protein change: p.Ile54Thr; replaces isoleucine 54 with threonine.
Molecular consequence: missense variant.
Genome position (GRCh38, 1-based): chr12:7,695,568, A>G on the plus strand (T>C on the coding strand, the complement: GDF3 is on the minus strand). VCF-style: chr12-7695568-A-G. GRCh37 (hg19) VCF-style: chr12-7848164-A-G.
Other names: short protein forms I54T.
Identifiers: ClinVar variation 642837 (VCV000642837.8), dbSNP rs910081119, ClinGen allele CA232506948.

ClinVar aggregate classification (germline): Uncertain significance (1 of 4 stars; one submission).

Conditions:
Klippel-Feil syndrome 3, autosomal dominant (KFS3). Identifiers: Orphanet 2345, MedGen C3150967, MONDO:0013375, OMIM 613702.

Allele frequency attached by ClinVar (database versions not stated): gnomAD exomes below 0.00001; TOPMed below 0.00001; gnomAD 0.00001.
gnomAD v4.1: 2 of 1,613,844 alleles (0.00012%); highest among the groups gnomAD compares: African/African-American, 0.0027%; no homozygotes.

Submission:

Labcorp Genetics (formerly Invitae), Labcorp
Classification: Uncertain significance for Klippel-Feil syndrome 3, autosomal dominant. Last evaluated: 2018-09-20. Review status: criteria provided, single submitter. Criteria: Invitae Variant Classification Sherloc (09022015). Collection method: clinical testing. Allele origin: germline.
Comment: In summary, the available evidence is currently insufficient to determine the role of this variant in disease. Therefore, it has been classified as a Variant of Uncertain Significance. Algorithms developed to predict the effect of missense changes on protein structure and function (SIFT, PolyPhen-2, Align-GVGD) all suggest that this variant is likely to be disruptive, but these predictions have not been confirmed by published functional studies and their clinical significance is uncertain. This variant has not been reported in the literature in individuals with GDF3-related disease. This variant is not present in population databases (ExAC no frequency). This sequence change replaces isoleucine with threonine at codon 54 of the GDF3 protein (p.Ile54Thr). The isoleucine residue is highly conserved and there is a moderate physicochemical difference between isoleucine and threonine.